The following is an entry in ClinVar:

NM_000203.5(IDUA):c.452A>G (p.Glu151Gly)

Gene: IDUA (alpha-L-iduronidase; plus strand). Cytogenetic location: 4p16.3.
Variant type: single nucleotide variant.
Coding change: c.452A>G on transcript NM_000203.5 (MANE Select); coding-DNA position 452, A replaced by G.
Protein change: p.Glu151Gly; replaces glutamic acid 151 with glycine.
Molecular consequence: missense variant. On other transcripts: non-coding transcript variant (1).
Genome position (GRCh38, 1-based): chr4:1,000,948, A>G. VCF-style: chr4-1000948-A-G. GRCh37 (hg19) VCF-style: chr4-994736-A-G.
Other names: c.56A>G, p.Glu19Gly (NM_001363576.1); short protein forms E151G, E19G.
Identifiers: ClinVar variation 2015284 (VCV002015284.1), dbSNP rs2534079406, ClinGen allele CA355961506.

ClinVar aggregate classification (germline): Uncertain significance (1 of 4 stars; one submission).

Conditions:
Mucopolysaccharidosis type 1. Also called: IDUA deficiency; MPS I. Identifiers: Orphanet 579, MedGen C0023786, MONDO:0001586.

Submission:

Labcorp Genetics (formerly Invitae), Labcorp
Classification: Uncertain significance for Mucopolysaccharidosis type 1. Last evaluated: 2022-07-09. Review status: criteria provided, single submitter. Criteria: Invitae Variant Classification Sherloc (09022015). Collection method: clinical testing. Allele origin: germline.
Comment: This sequence change replaces glutamic acid, which is acidic and polar, with glycine, which is neutral and non-polar, at codon 151 of the IDUA protein (p.Glu151Gly). This variant is not present in population databases (gnomAD no frequency). This variant has not been reported in the literature in individuals affected with IDUA-related conditions. Algorithms developed to predict the effect of missense changes on protein structure and function (SIFT, PolyPhen-2, Align-GVGD) all suggest that this variant is likely to be tolerated. Algorithms developed to predict the effect of sequence changes on RNA splicing suggest that this variant may disrupt the consensus splice site. In summary, the available evidence is currently insufficient to determine the role of this variant in disease. Therefore, it has been classified as a Variant of Uncertain Significance.